The following is an entry in ClinVar:

NM_173076.3(ABCA12):c.4579+4T>G

Gene: ABCA12 (ATP binding cassette subfamily A member 12; minus strand). Cytogenetic location: 2q35.
Variant type: single nucleotide variant.
Coding change: c.4579+4T>G on transcript NM_173076.3 (MANE Select); 4 bases into the intron after coding-DNA position 4579, T replaced by G.
Molecular consequence: intron variant.
Genome position (GRCh38, 1-based): chr2:214,982,183, A>C on the plus strand (T>G on the coding strand, the complement: ABCA12 is on the minus strand). VCF-style: chr2-214982183-A-C. GRCh37 (hg19) VCF-style: chr2-215846907-A-C.
Other names: c.3625+4T>G (NM_015657.4).
Identifiers: ClinVar variation 3041642 (VCV003041642.2), dbSNP rs2105966527, ClinGen allele CA1042218541.

ClinVar aggregate classification (germline): Likely benign (0 of 4 stars; one submission).

Conditions:
ABCA12-related disorder. Also called: ABCA12-related condition.

Submission:

PreventionGenetics, part of Exact Sciences
Classification: Likely benign for ABCA12-related condition. Last evaluated: 2019-12-05. Review status: no assertion criteria provided. Collection method: clinical testing. Allele origin: germline.
Comment: This variant is classified as likely benign based on ACMG/AMP sequence variant interpretation guidelines (Richards et al. 2015 PMID: 25741868, with internal and published modifications).